The following is an entry in ClinVar:

NM_001130144.3(LTBP3):c.1736G>A (p.Arg579Gln)

Gene: LTBP3 (latent transforming growth factor beta binding protein 3; minus strand). Cytogenetic location: 11q13.1.
Variant type: single nucleotide variant.
Coding change: c.1736G>A on transcript NM_001130144.3 (MANE Select); coding-DNA position 1736, G replaced by A.
Protein change: p.Arg579Gln; replaces arginine 579 with glutamine.
Molecular consequence: missense variant.
Genome position (GRCh38, 1-based): chr11:65,548,030, C>T on the plus strand (G>A on the coding strand, the complement: LTBP3 is on the minus strand). VCF-style: chr11-65548030-C-T. GRCh37 (hg19) VCF-style: chr11-65315501-C-T.
Other names: c.1385G>A, p.Arg462Gln (NM_001164266.1); c.1736G>A, p.Arg579Gln (NM_021070.4); short protein forms R462Q, R579Q.
Identifiers: ClinVar variation 4691943 (VCV004691943.1).

ClinVar aggregate classification (germline): Uncertain significance (1 of 4 stars; one submission).

Conditions:
Brachyolmia-amelogenesis imperfecta syndrome. Also called: Tooth agenesis, selective, 6; Dental anomalies and short stature; PLATYSPONDYLY WITH AMELOGENESIS IMPERFECTA. Identifiers: Orphanet 2899, MedGen C1832594, MONDO:0011018, OMIM 601216. Disease mechanism: loss of function.

gnomAD v4.1: 6 of 1,613,810 alleles (0.00037%); highest among the groups gnomAD compares: South Asian, 0.0022%; no homozygotes.

Submission:

Labcorp Genetics (formerly Invitae), Labcorp
Classification: Uncertain significance for Brachyolmia-amelogenesis imperfecta syndrome. Last evaluated: 2026-01-13. Review status: criteria provided, single submitter. Criteria: Invitae Variant Classification Sherloc (09022015). Collection method: clinical testing. Allele origin: germline.
Comment: This sequence change replaces arginine, which is basic and polar, with glutamine, which is neutral and polar, at codon 579 of the LTBP3 protein (p.Arg579Gln). This variant is present in population databases (rs138482133, gnomAD 0.006%). This variant has not been reported in the literature in individuals affected with LTBP3-related conditions. An algorithm developed to predict the effect of missense changes on protein structure and function (PolyPhen-2) suggests that this variant is likely to be tolerated. In summary, the available evidence is currently insufficient to determine the role of this variant in disease. Therefore, it has been classified as a Variant of Uncertain Significance.